The following is an entry in ClinVar:

NM_001034853.2(RPGR):c.2714_2715del (p.Glu905fs)

Gene: RPGR (retinitis pigmentosa GTPase regulator; minus strand). Cytogenetic location: Xp11.4.
Variant type: Deletion.
Coding change: c.2714_2715del on transcript NM_001034853.2 (MANE Select); coding-DNA positions 2714 to 2715, 2 bases deleted (AA; older notation c.2714_2715delAA).
Protein change: p.Glu905fs; shifts the reading frame from glutamic acid 905.
Molecular consequence: frameshift variant. On other transcripts: intron variant (8).
Genome position (GRCh38, 1-based): chrX:38,286,284-38,286,285, TT deleted on the plus strand (AA on the coding strand, the reverse complement: RPGR is on the minus strand). VCF-style (leftmost placement, unchanged base first): chrX-38286283-CTT-C. GRCh37 (hg19) VCF-style: chrX-38145536-CTT-C.
Other names: NM_001034853.2(RPGR):c.2714_2715del; p.Glu905fs; c.1569+4674_1569+4675del (NM_001367249.1, NM_001367250.1); c.1902+809_1902+810del (NM_001367245.1); c.1386+4674_1386+4675del (NM_001367251.1); c.1719+809_1719+810del (NM_001367246.1); c.1572+4674_1572+4675del (NM_001367247.1); c.1905+809_1905+810del (NM_000328.3); and 2 more; short protein forms E905fs.
Identifiers: ClinVar variation 865798 (VCV000865798.10), dbSNP rs2067160273, ClinGen allele CA916083885.

ClinVar aggregate classification (germline): Pathogenic. Review status: reviewed by expert panel (3 of 4 stars). 5 submissions from 4 submitters: Pathogenic (1). 4 of the submissions do not count toward it. Last evaluated 2025-09-05.

Conditions:
Primary ciliary dyskinesia. Also called: Ciliary dyskinesia. Identifiers: Orphanet 244, MedGen C0008780, MONDO:0016575, HP:0012265.
Retinitis pigmentosa 3. Also called: CHOROIDORETINAL DEGENERATION WITH RETINAL REFLEX IN HETEROZYGOUS WOMEN. Identifiers: Orphanet 791, MedGen C1845667, MONDO:0010227, OMIM 300029.
RPGR-related retinopathy. Also called: RPGR retinopathy. Identifiers: MedGen CN305589, MONDO:0100437.
Retinal dystrophy. Also called: Inherited retinal dystrophy. Identifiers: Orphanet 71862, MedGen C0854723, MeSH D058499, MONDO:0019118, HP:0000556.

Submissions (5):

ClinGen X-linked Inherited Retinal Disease Variant Curation Expert Panel, ClinGen
Classification: Pathogenic for RPGR-related retinopathy. Last evaluated: 2025-09-05. Review status: reviewed by expert panel. Criteria: ClinGen X LinkedIRD ACMG Specifications RPGR V1.0.0. Collection method: curation. Allele origin: germline. Inheritance: X-linked inheritance.
Comment: NM_001034853.2(RPGR):c.2714_2715del (p.Glu905GlyfsTer?) is a frameshift variant due to a 2-nucleotide deletion that introduces a premature stop codon in exon 15 of 15, which is predicted to disrupt a critical C-terminal region required for proper glutamylation of RPGR (PVS1, PMID: 36445968). This variant is absent from gnomAD v4.1.0 (PM2_Supporting). This variant has been reported in at least 2 apparently unrelated probands meeting one of the PS4 requirements of a male with some functional vision impairment by age 30 years and/or decreased or absent electroretinogram responses, or a female with functional visual abnormality and documentation of a male relative affected with retinitis pigmentosa (PMID: 23681342, PMID: 14564670, PS4_Supporting). In summary, this variant is classified as pathogenic for RPGR-related retinopathy based on the ClinGen X-linked Inherited Retinal Disease Expert Panel Specifications to the ACMG/AMP Variant Interpretation Guidelines for RPGR Version 1.0.0; PVS1, PM2_Supporting, and PS4_Supporting.

Labcorp Genetics (formerly Invitae), Labcorp
Classification: Pathogenic for Primary ciliary dyskinesia. Last evaluated: 2025-04-17. Review status: criteria provided, single submitter. Criteria: Invitae Variant Classification Sherloc (09022015). Collection method: clinical testing. Allele origin: germline. Not counted in ClinVar's aggregate classification.
Comment: This sequence change creates a premature translational stop signal (p.Glu905Glyfs*173) in the RPGR (ORF15) gene. While this is not anticipated to result in nonsense mediated decay, it is expected to disrupt the last 248 amino acid(s) of the RPGR (ORF15) protein. This variant is not present in population databases (gnomAD no frequency). This premature translational stop signal has been observed in individual(s) with retinitis pigmentosa (PMID: 14564670, 23681342). This variant is also known as ORF15E320;Ter@492. ClinVar contains an entry for this variant (Variation ID: 865798). This variant disrupts a region of the RPGR (ORF15) protein in which other variant(s) (p.Leu1130Lysfs*13) have been determined to be pathogenic (PMID: 22264887; internal data). This suggests that this is a clinically significant region of the protein, and that variants that disrupt it are likely to be disease-causing. For these reasons, this variant has been classified as Pathogenic.

Blueprint Genetics
Classification: Pathogenic for Retinal dystrophy. Last evaluated: 2018-10-26. Review status: criteria provided, single submitter. Criteria: Blueprint Genetics Variant Classification Scheme. Collection method: clinical testing. Allele origin: germline. Affected: yes. Not counted in ClinVar's aggregate classification.

PreventionGenetics, part of Exact Sciences
Classification: Pathogenic. Last evaluated: 2016-02-17. Review status: criteria provided, single submitter. Criteria: ACMG Guidelines, 2015. Collection method: clinical testing. Allele origin: germline. Not counted in ClinVar's aggregate classification.

Blueprint Genetics
Classification: Pathogenic for Retinitis pigmentosa 3. Review status: no assertion criteria provided. Collection method: clinical testing. Allele origin: germline. Affected: yes. Not counted in ClinVar's aggregate classification.

Literature cited by the submitters: PubMed 14564670 (cited by Labcorp Genetics (formerly Invitae), Labcorp); PubMed 23681342 (cited by Labcorp Genetics (formerly Invitae), Labcorp); PubMed 22264887 (cited by Labcorp Genetics (formerly Invitae), Labcorp).